The following is an entry in ClinVar:

ClinVar aggregate classification (germline): Uncertain significance. Review status: criteria provided, multiple submitters, no conflicts (2 of 4 stars). 2 submissions from 2 submitters: Uncertain significance (2). Last evaluated 2025-08-01.

Conditions:
Familial cancer of breast. Also called: BREAST CANCER, FAMILIAL; Hereditary breast cancer; hereditary breast carcinoma. Identifiers: Orphanet 227535, MedGen C0346153, MONDO:0016419, OMIM 114480. Disease mechanism: loss of function.
Hereditary cancer-predisposing syndrome. Also called: Neoplastic Syndromes, Hereditary; Tumor predisposition; Hereditary neoplastic syndrome; Hereditary Cancer Syndrome. Identifiers: Orphanet 140162, MedGen C0027672, MeSH D009386, MONDO:0015356.

Submissions (2):

Ambry Genetics
Classification: Uncertain significance for Hereditary cancer-predisposing syndrome. Last evaluated: 2025-08-01. Review status: criteria provided, single submitter. Criteria: Ambry Variant Classification Scheme 2023. Collection method: clinical testing. Allele origin: germline.
Comment: The p.I276T variant (also known as c.827T>C), located in coding exon 6 of the CHEK2 gene, results from a T to C substitution at nucleotide position 827. The isoleucine at codon 276 is replaced by threonine, an amino acid with similar properties. This amino acid position is highly conserved in available vertebrate species. In addition, this alteration is predicted to be deleterious by in silico analysis. Since supporting evidence is limited at this time, the clinical significance of this alteration remains unclear.

Labcorp Genetics (formerly Invitae), Labcorp
Classification: Uncertain significance for Familial cancer of breast. Last evaluated: 2022-09-19. Review status: criteria provided, single submitter. Criteria: Invitae Variant Classification Sherloc (09022015). Collection method: clinical testing. Allele origin: germline.
Comment: In summary, the available evidence is currently insufficient to determine the role of this variant in disease. Therefore, it has been classified as a Variant of Uncertain Significance. Algorithms developed to predict the effect of missense changes on protein structure and function are either unavailable or do not agree on the potential impact of this missense change (SIFT: "Tolerated"; PolyPhen-2: "Probably Damaging"; Align-GVGD: "Class C0"). ClinVar contains an entry for this variant (Variation ID: 827556). This variant has not been reported in the literature in individuals affected with CHEK2-related conditions. This variant is not present in population databases (gnomAD no frequency). This sequence change replaces isoleucine, which is neutral and non-polar, with threonine, which is neutral and polar, at codon 276 of the CHEK2 protein (p.Ile276Thr).

NM_007194.4(CHEK2):c.827T>C (p.Ile276Thr)

Gene: CHEK2 (checkpoint kinase 2; minus strand). Cytogenetic location: 22q12.1.
Variant type: single nucleotide variant.
Coding change: c.827T>C on transcript NM_007194.4 (MANE Select); coding-DNA position 827, T replaced by C.
Protein change: p.Ile276Thr; replaces isoleucine 276 with threonine.
Molecular consequence: missense variant.
Genome position (GRCh38, 1-based): chr22:28,710,025, A>G on the plus strand (T>C on the coding strand, the complement: CHEK2 is on the minus strand). VCF-style: chr22-28710025-A-G. GRCh37 (hg19) VCF-style: chr22-29106013-A-G.
Other names: c.956T>C, p.Ile319Thr (NM_001005735.3); c.164T>C, p.Ile55Thr (NM_001257387.3); c.626T>C, p.Ile209Thr (NM_001349956.3); c.827T>C, p.Ile276Thr (NM_145862.3); short protein forms I209T, I276T, I319T, I55T.
Identifiers: ClinVar variation 827556 (VCV000827556.15), dbSNP rs878854925, ClinGen allele CA411102363.